The following is an entry in ClinVar:

ClinVar aggregate classification (germline): Uncertain significance. Review status: criteria provided, multiple submitters, no conflicts (2 of 4 stars). 2 submissions from 2 submitters: Uncertain significance (2). Last evaluated 2025-08-25.

Conditions:
Inborn genetic diseases. Identifiers: MedGen C0950123, MeSH D030342.

Allele frequency attached by ClinVar (database versions not stated): gnomAD exomes below 0.00001; ExAC 0.00001; gnomAD 0.00004; TOPMed 0.00005.
gnomAD v4.1: 11 of 1,609,122 alleles (0.00068%); highest among the groups gnomAD compares: African/African-American, 0.011%; no homozygotes.

Submissions (2):

Ambry Genetics
Classification: Uncertain significance for Inborn genetic diseases. Last evaluated: 2025-08-25. Review status: criteria provided, single submitter. Criteria: Ambry Variant Classification Scheme 2023. Collection method: clinical testing. Allele origin: germline.

Labcorp Genetics (formerly Invitae), Labcorp
Classification: Uncertain significance. Last evaluated: 2022-04-19. Review status: criteria provided, single submitter. Criteria: Invitae Variant Classification Sherloc (09022015). Collection method: clinical testing. Allele origin: germline.
Comment: In summary, the available evidence is currently insufficient to determine the role of this variant in disease. Therefore, it has been classified as a Variant of Uncertain Significance. Algorithms developed to predict the effect of missense changes on protein structure and function (SIFT, PolyPhen-2, Align-GVGD) all suggest that this variant is likely to be disruptive. This variant has not been reported in the literature in individuals affected with HACE1-related conditions. This variant is present in population databases (rs763431334, gnomAD 0.007%). This sequence change replaces proline, which is neutral and non-polar, with leucine, which is neutral and non-polar, at codon 36 of the HACE1 protein (p.Pro36Leu).

NM_020771.4(HACE1):c.107C>T (p.Pro36Leu)

Gene: HACE1 (HECT domain and ankyrin repeat containing E3 ubiquitin protein ligase 1; minus strand). Cytogenetic location: 6q16.3.
Variant type: single nucleotide variant.
Coding change: c.107C>T on transcript NM_020771.4 (MANE Select); coding-DNA position 107, C replaced by T.
Protein change: p.Pro36Leu; replaces proline 36 with leucine.
Molecular consequence: missense variant. On other transcripts: 5 prime UTR variant (6), non-coding transcript variant (7).
Genome position (GRCh38, 1-based): chr6:104,852,341, G>A on the plus strand (C>T on the coding strand, the complement: HACE1 is on the minus strand). VCF-style: chr6-104852341-G-A. GRCh37 (hg19) VCF-style: chr6-105300216-G-A.
Other names: c.107C>T (NM_020771.3); c.107C>T, p.Pro36Leu (NM_001321080.2, NM_001350555.2); c.5C>T, p.Pro2Leu (NM_001321083.2, NM_001350554.2); c.-315C>T (NM_001321084.2, NM_001350558.2); c.-304C>T (NM_001350556.2); c.-239C>T (NM_001350557.2); c.-261C>T (NM_001350559.2); c.-469C>T (NM_001350560.2); short protein forms P36L, P2L.
Identifiers: ClinVar variation 1931176 (VCV001931176.6), dbSNP rs763431334, ClinGen allele CA3940630.